The following is an entry in ClinVar:

NM_001999.4(FBN2):c.7987G>A (p.Ala2663Thr)

Gene: FBN2 (fibrillin 2; minus strand). Cytogenetic location: 5q23.3.
Variant type: single nucleotide variant.
Coding change: c.7987G>A on transcript NM_001999.4 (MANE Select); coding-DNA position 7987, G replaced by A.
Protein change: p.Ala2663Thr; replaces alanine 2663 with threonine.
Molecular consequence: missense variant.
Genome position (GRCh38, 1-based): chr5:128,263,630, C>T on the plus strand (G>A on the coding strand, the complement: FBN2 is on the minus strand). VCF-style: chr5-128263630-C-T. GRCh37 (hg19) VCF-style: chr5-127599322-C-T.
Other names: short protein forms A2663T.
Identifiers: ClinVar variation 519812 (VCV000519812.8), dbSNP rs1245151549, ClinGen allele CA360749906.
Genomic context (GRCh38, chr5:128,263,630, plus strand): 5'-CCGAGGGGCAGGCGCACTTGTAACTCCCCAGGGTGTTGTAGCAGGAAGCAGAGCCACAGG[C>T]ATTGGGATTGGAGCATTCATTCTCATCTAGTGAAACGAAGAAAGAAACTCTTACACGGGG-3'
Protein context (NP_001990.2, residues 2653-2673): VDENECSNPN[Ala2663Thr]CGSASCYNTL

ClinVar aggregate classification (germline): Uncertain significance. Review status: criteria provided, multiple submitters, no conflicts (2 of 4 stars). 2 submissions from 2 submitters: Uncertain significance (2). Last evaluated 2023-11-14.

Conditions:
Congenital contractural arachnodactyly (CCA). Also called: BEALS SYNDROME; Beals-Hecht syndrome; Arthrogryposis, distal, type 9. Identifiers: Orphanet 115, MedGen C0220668, MONDO:0007363, OMIM 121050.
Familial thoracic aortic aneurysm and aortic dissection (TAAD). Also called: Thoracic aortic aneurysms and dissections. Identifiers: Orphanet 91387, MedGen C4707243, MONDO:0019625.

Allele frequency attached by ClinVar (database versions not stated): gnomAD exomes 0.00001.
gnomAD v4.1: 5 of 1,614,022 alleles (0.00031%); highest among the groups gnomAD compares: Non-Finnish European, 0.00042%; no homozygotes.

Submissions (2):

Labcorp Genetics (formerly Invitae), Labcorp
Classification: Uncertain significance for Congenital contractural arachnodactyly. Last evaluated: 2023-11-14. Review status: criteria provided, single submitter. Criteria: Invitae Variant Classification Sherloc (09022015). Collection method: clinical testing. Allele origin: germline.
Comment: This sequence change replaces alanine, which is neutral and non-polar, with threonine, which is neutral and polar, at codon 2663 of the FBN2 protein (p.Ala2663Thr). This variant is present in population databases (no rsID available, gnomAD 0.002%). This variant has not been reported in the literature in individuals affected with FBN2-related conditions. ClinVar contains an entry for this variant (Variation ID: 519812). Advanced modeling of protein sequence and biophysical properties (such as structural, functional, and spatial information, amino acid conservation, physicochemical variation, residue mobility, and thermodynamic stability) performed at Invitae indicates that this missense variant is not expected to disrupt FBN2 protein function with a negative predictive value of 80%. In summary, the available evidence is currently insufficient to determine the role of this variant in disease. Therefore, it has been classified as a Variant of Uncertain Significance.

Ambry Genetics
Classification: Uncertain significance for Familial thoracic aortic aneurysm and aortic dissection. Last evaluated: 2016-03-01. Review status: criteria provided, single submitter. Criteria: Ambry Variant Classification Scheme 2023. Collection method: clinical testing. Allele origin: germline.
Comment: The p.A2663T variant (also known as c.7987G>A), located in coding exon 63 of the FBN2 gene, results from a G to A substitution at nucleotide position 7987. The alanine at codon 2663 is replaced by threonine, an amino acid with similar properties. This variant was not reported in population based cohorts in the following databases: Database of Single Nucleotide Polymorphisms (dbSNP), NHLBI Exome Sequencing Project (ESP), and 1000 Genomes Project. In the ESP, this variant was not observed in 6503 samples (13006 alleles) with coverage at this position. This amino acid position is not well conserved in available vertebrate species, and threonine is the reference amino acid in other vertebrate species. In addition, this alteration is predicted to be tolerated by in silico analysis. Since supporting evidence is limited at this time, the clinical significance of this alteration remains unclear.